The following is an entry in ClinVar:

NM_177438.3(DICER1):c.2078_2079dup (p.Val694fs)

Gene: DICER1 (dicer 1, ribonuclease III; minus strand). Cytogenetic location: 14q32.13.
Variant type: Duplication.
Coding change: c.2078_2079dup on transcript NM_177438.3 (MANE Select); coding-DNA positions 2078 to 2079, 2 bases duplicated (TT; older notation c.2078_2079dupTT).
Protein change: p.Val694fs; shifts the reading frame from valine 694.
Molecular consequence: frameshift variant.
Genome position (GRCh38, 1-based): chr14:95,112,209-95,112,210, AA duplicated on the plus strand (TT on the coding strand, the reverse complement: DICER1 is on the minus strand). VCF-style (leftmost placement, unchanged base first): chr14-95112208-C-CAA. GRCh37 (hg19) VCF-style: chr14-95578545-C-CAA.
Other names: c.2078_2079dup, p.Val694fs (NM_001195573.1, NM_001271282.3, NM_001291628.2 and 1 more transcripts); short protein forms V694fs.
Identifiers: ClinVar variation 1385479 (VCV001385479.7), dbSNP rs2140077758, ClinGen allele CA2573150493.

ClinVar aggregate classification (germline): Pathogenic (1 of 4 stars; one submission).

Conditions:
DICER1-related tumor predisposition. Also called: DICER1 syndrome; DICER1-related pleuropulmonary blastoma cancer predisposition syndrome. Identifiers: Orphanet 284343, MedGen C3839822, MONDO:0100216.

Submission:

Labcorp Genetics (formerly Invitae), Labcorp
Classification: Pathogenic for DICER1-related tumor predisposition. Last evaluated: 2021-11-17. Review status: criteria provided, single submitter. Criteria: Invitae Variant Classification Sherloc (09022015). Collection method: clinical testing. Allele origin: germline.
Comment: For these reasons, this variant has been classified as Pathogenic. This variant has not been reported in the literature in individuals affected with DICER1-related conditions. This variant is not present in population databases (gnomAD no frequency). This sequence change creates a premature translational stop signal (p.Val694Leufs*2) in the DICER1 gene. It is expected to result in an absent or disrupted protein product. Loss-of-function variants in DICER1 are known to be pathogenic (PMID: 19556464, 21266384).

Literature cited by the submitters: PubMed 19556464; PubMed 21266384.